The following is an entry in ClinVar:

ClinVar aggregate classification (germline): Likely benign (1 of 4 stars; one submission).

Allele frequency attached by ClinVar (database versions not stated): gnomAD 0.00493 and 0.00524; TOPMed 0.00576; 1000 Genomes Project 0.00699; 1000 Genomes Project 30x 0.00812.
gnomAD v4.1: 747 of 152,240 alleles (0.49%); highest among the groups gnomAD compares: African/African-American, 1.7%; 6 homozygotes.

Submission:

GeneDx
Classification: Likely benign. Last evaluated: 2018-06-16. Review status: criteria provided, single submitter. Criteria: GeneDx Variant Classification (06012015). Collection method: clinical testing. Allele origin: germline. Affected: yes.
Comment: This variant is considered likely benign or benign based on one or more of the following criteria: it is a conservative change, it occurs at a poorly conserved position in the protein, it is predicted to be benign by multiple in silico algorithms, and/or has population frequency not consistent with disease.

NM_000540.3(RYR1):c.3765+182C>T

Gene: RYR1 (ryanodine receptor 1; plus strand). Cytogenetic location: 19q13.2.
Variant type: single nucleotide variant.
Coding change: c.3765+182C>T on transcript NM_000540.3 (MANE Select); 182 bases into the intron after coding-DNA position 3765, C replaced by T.
Molecular consequence: intron variant.
Genome position (GRCh38, 1-based): chr19:38,469,695, C>T. VCF-style: chr19-38469695-C-T. GRCh37 (hg19) VCF-style: chr19-38960335-C-T.
Other names: c.3765+182C>T (NM_001042723.2).
Identifiers: ClinVar variation 679973 (VCV000679973.1), dbSNP rs73540988, ClinGen allele CA308078225.